The following is an entry in ClinVar:

NM_004333.6(BRAF):c.609A>G (p.Gly203=)

Gene: BRAF (B-Raf proto-oncogene, serine/threonine kinase; minus strand). Cytogenetic location: 7q34.
Variant type: single nucleotide variant.
Coding change: c.609A>G on transcript NM_004333.6 (MANE Select); coding-DNA position 609, A replaced by G.
Protein change: p.Gly203=; no amino-acid change (glycine 203 retained).
Molecular consequence: synonymous variant.
Genome position (GRCh38, 1-based): chr7:140,808,062, T>C on the plus strand (A>G on the coding strand, the complement: BRAF is on the minus strand). VCF-style: chr7-140808062-T-C. GRCh37 (hg19) VCF-style: chr7-140507862-T-C.
Other names: c.609A>G, p.Gly203= (NM_001354609.2, NM_001374244.1, NM_001374258.1 and 4 more transcripts); c.618A>G, p.Leu206= (NM_001378467.1); c.507A>G, p.Gly169= (NM_001378470.1); c.453A>G, p.Gly151= (NM_001378472.1, NM_001378473.1); c.345A>G, p.Gly115= (NM_001378475.1).
Identifiers: ClinVar variation 3261426 (VCV003261426.3).

ClinVar aggregate classification (germline): Conflicting classifications of pathogenicity. Review status: criteria provided, conflicting classifications (1 of 4 stars). 2 submissions from 2 submitters: Uncertain significance (1); Likely benign (1). Last evaluated 2024-06-14.

Conditions:
RASopathy. Also called: Noonan spectrum disorder; rasopathies. Identifiers: Orphanet 536391, MedGen C5555857, MONDO:0021060.
Cardiovascular phenotype. Identifiers: MedGen CN230736.

gnomAD v4.1: 5 of 1,606,740 alleles (0.00031%); highest among the groups gnomAD compares: South Asian, 0.0044%; no homozygotes.

Submissions (2):

Ambry Genetics
Classification: Likely benign for Cardiovascular phenotype. Last evaluated: 2024-06-14. Review status: criteria provided, single submitter. Criteria: Ambry Variant Classification Scheme 2023. Collection method: clinical testing. Allele origin: germline.

Labcorp Genetics (formerly Invitae), Labcorp
Classification: Uncertain significance for RASopathy. Last evaluated: 2024-03-19. Review status: criteria provided, single submitter. Criteria: Invitae Variant Classification Sherloc (09022015). Collection method: clinical testing. Allele origin: germline.
Comment: This sequence change affects codon 203 of the BRAF mRNA. It is a 'silent' change, meaning that it does not change the encoded amino acid sequence of the BRAF protein. It affects a nucleotide within the consensus splice site. This variant is present in population databases (rs754799789, gnomAD 0.006%). This variant has not been reported in the literature in individuals affected with BRAF-related conditions. Algorithms developed to predict the effect of sequence changes on RNA splicing suggest that this variant is not likely to affect RNA splicing. In summary, the available evidence is currently insufficient to determine the role of this variant in disease. Therefore, it has been classified as a Variant of Uncertain Significance.